The following is an entry in ClinVar:

NM_001271.4(CHD2):c.462_470delinsGATGAACAGG (p.Pro155fs)

Gene: CHD2 (chromodomain helicase DNA binding protein 2; plus strand). Cytogenetic location: 15q26.1.
Variant type: Indel.
Coding change: c.462_470delinsGATGAACAGG on transcript NM_001271.4 (MANE Select); coding-DNA positions 462 to 470, ACCCTCAGA replaced by GATGAACAGG.
Protein change: p.Pro155fs; shifts the reading frame from proline 155.
Molecular consequence: frameshift variant.
Genome position (GRCh38, 1-based): chr15:92,937,536-92,937,544, ACCCTCAGA replaced by GATGAACAGG. VCF-style: chr15-92937536-ACCCTCAGA-GATGAACAGG. GRCh37 (hg19) VCF-style: chr15-93480766-ACCCTCAGA-GATGAACAGG.
Other names: c.462_470delinsGATGAACAGG, p.Pro155fs (NM_001042572.3); short protein forms P155fs.
Identifiers: ClinVar variation 1709021 (VCV001709021.2), dbSNP rs2505426416, ClinGen allele CA2580090334.

ClinVar aggregate classification (germline): Pathogenic (1 of 4 stars; one submission).

Conditions:
Developmental and epileptic encephalopathy 94 (DEE94). Also called: CHD2-Related Neurodevelopmental Disorders; Epileptic encephalopathy, childhood-onset. Identifiers: Orphanet 1942, Orphanet 2382, MedGen C3809278, MONDO:0014150, OMIM 615369.

Submission:

MGZ Medical Genetics Center
Classification: Pathogenic for Developmental and epileptic encephalopathy 94. Last evaluated: 2021-12-14. Review status: criteria provided, single submitter. Criteria: ACMG Guidelines, 2015. Collection method: clinical testing. Allele origin: germline. Affected: yes. Observed: 1 variant allele.
Comment: ACMG criteria applied: PVS1, PS2, PM2_SUP